The following is an entry in ClinVar:

ClinVar aggregate classification (germline): Uncertain significance (1 of 4 stars; one submission).

gnomAD v4.1: 12 of 1,613,588 alleles (0.00074%); highest among the groups gnomAD compares: Non-Finnish European, 0.001%; no homozygotes.

Submission:

Labcorp Genetics (formerly Invitae), Labcorp
Classification: Uncertain significance. Last evaluated: 2023-06-04. Review status: criteria provided, single submitter. Criteria: Invitae Variant Classification Sherloc (09022015). Collection method: clinical testing. Allele origin: germline.
Comment: In summary, the available evidence is currently insufficient to determine the role of this variant in disease. Therefore, it has been classified as a Variant of Uncertain Significance. An algorithm developed to predict the effect of missense changes on protein structure and function (PolyPhen-2) suggests that this variant is likely to be tolerated. This variant has not been reported in the literature in individuals affected with OAS1-related conditions. This variant is not present in population databases (gnomAD no frequency). This sequence change replaces aspartic acid, which is acidic and polar, with glutamic acid, which is acidic and polar, at codon 353 of the OAS1 protein (p.Asp353Glu).

NM_016816.4(OAS1):c.1059C>A (p.Asp353Glu)

Gene: OAS1 (2'-5'-oligoadenylate synthetase 1; plus strand). Cytogenetic location: 12q24.13.
Variant type: single nucleotide variant.
Coding change: c.1059C>A on transcript NM_016816.4 (MANE Select); coding-DNA position 1059, C replaced by A.
Protein change: p.Asp353Glu; replaces aspartic acid 353 with glutamic acid.
Molecular consequence: missense variant. On other transcripts: 3 prime UTR variant (5), non-coding transcript variant (7), intron variant (5).
Genome position (GRCh38, 1-based): chr12:112,919,409, C>A. VCF-style: chr12-112919409-C-A. GRCh37 (hg19) VCF-style: chr12-113357214-C-A.
Other names: c.1035C>A, p.Asp345Glu (NM_001406021.1); c.*696C>A (NM_001406022.1, NM_001406023.1, NM_001406029.1); c.*1652C>A (NM_001406024.1, NM_001406030.1); c.585C>A, p.Asp195Glu (NM_001406027.1); c.1038+1709C>A (NM_001320151.2); c.1014+1709C>A (NM_001406025.1); c.1039-78C>A (NM_001032409.3); c.1015-78C>A (NM_001406020.1); and 1 more; short protein forms D195E, D353E, D345E.
Identifiers: ClinVar variation 2854283 (VCV002854283.3), dbSNP rs752510340, ClinGen allele CA6799998.